The following is an entry in ClinVar:

ClinVar aggregate classification (germline): Benign/Likely benign. Review status: criteria provided, multiple submitters, no conflicts (2 of 4 stars). 3 submissions from 3 submitters: Benign (2); Likely benign (1). Last evaluated 2026-01-30.

Conditions:
DOCK2 deficiency. Also called: Immunodeficiency 40. Identifiers: Orphanet 447737, MedGen C4225328, MONDO:0014637, OMIM 616433.

Allele frequency attached by ClinVar (database versions not stated): ExAC 0.00064; 1000 Genomes Project 30x 0.00172; 1000 Genomes Project 0.00180; gnomAD 0.00209 and 0.00226; ESP Exome Variant Server 0.00215; TOPMed 0.00246.
gnomAD v4.1: 617 of 1,613,256 alleles (0.038%); highest among the groups gnomAD compares: African/African-American, 0.7%; 3 homozygotes.

Submissions (3):

Women's Health and Genetics/Laboratory Corporation of America, LabCorp
Classification: Benign. Last evaluated: 2026-01-30. Review status: criteria provided, single submitter. Criteria: LabCorp Variant Classification Summary - May 2015. Collection method: clinical testing. Allele origin: germline.
Comment: Variant summary: DOCK2 c.1383+12A>G alters a nucleotide located at a position not widely known to affect splicing. Consensus agreement among computation tools predict no significant impact on normal splicing. However, these predictions have yet to be confirmed by functional studies. The variant allele was found at a frequency of 0.00052 in 250444 control chromosomes, predominantly at a frequency of 0.007 within the African or African-American subpopulation in the gnomAD database, including 2 homozygotes. The observed variant frequency within African or African-American control individuals in the gnomAD database exceeds the estimated maximal expected allele frequency for disease-causing variants in DOCK2. To our knowledge, no occurrence of c.1383+12A>G in individuals affected with DOCK2-related conditions and no experimental evidence demonstrating its impact on protein function have been reported. ClinVar contains an entry for this variant (Variation ID: 1600972). Based on the evidence outlined above, the variant was classified as benign.

Labcorp Genetics (formerly Invitae), Labcorp
Classification: Benign for DOCK2 deficiency. Last evaluated: 2026-01-18. Review status: criteria provided, single submitter. Criteria: Invitae Variant Classification Sherloc (09022015). Collection method: clinical testing. Allele origin: germline.

Blueprint Genetics
Classification: Likely benign. Last evaluated: 2024-11-26. Review status: criteria provided, single submitter. Criteria: ACMG Guidelines, 2015. Collection method: clinical testing. Allele origin: germline.

NM_004946.3(DOCK2):c.1383+12A>G

Gene: DOCK2 (dedicator of cytokinesis 2; plus strand). Cytogenetic location: 5q35.1.
Variant type: single nucleotide variant.
Coding change: c.1383+12A>G on transcript NM_004946.3 (MANE Select); 12 bases into the intron after coding-DNA position 1383, A replaced by G.
Molecular consequence: intron variant.
Genome position (GRCh38, 1-based): chr5:169,702,439, A>G. VCF-style: chr5-169702439-A-G. GRCh37 (hg19) VCF-style: chr5-169129443-A-G.
Identifiers: ClinVar variation 1600972 (VCV001600972.10), dbSNP rs182075506, ClinGen allele CA3553435.
Genomic context (GRCh38, chr5:169,702,439, plus strand): 5'-TGTGGAAGTCATCATGTGTGTGTGCGCGGAGGATGGCAAAACGCTGCCTGTAAGGGACTC[A>G]CTGCTGCTCTGGGTGACAGGGTCCGCCTTGGGGGCCTCTGCTTGTAAAGACGTACTTTTC-3'